The following is an entry in ClinVar:

ClinVar aggregate classification (germline): Uncertain significance (1 of 4 stars; one submission).

Conditions:
Hereditary pheochromocytoma and paraganglioma. Also called: Hereditary Paraganglioma-Pheochromocytoma Syndromes; Hereditary paragangliomas and pheochromocytomas; Hereditary pheochromocytoma-paraganglioma. Identifiers: Orphanet 29072, MedGen C4274332, MONDO:0017366.

Submission:

Color Diagnostics, LLC DBA Color Health
Classification: Uncertain significance for Hereditary pheochromocytoma and paraganglioma. Last evaluated: 2025-09-22. Review status: criteria provided, single submitter. Criteria: ACMG Guidelines, 2015. Collection method: clinical testing. Allele origin: germline.
Comment: This missense variant replaces aspartic acid with asparagine at codon 157 of the SDHAF2 protein. Computational prediction suggests that this variant may not impact protein structure and function. To our knowledge, functional studies have not been reported for this variant. This variant has not been reported in individuals affected with SDHAF2-related disorders in the literature. This variant has not been identified in the general population by the Genome Aggregation Database (gnomAD). The available evidence is insufficient to determine the role of this variant in disease conclusively. Therefore, this variant is classified as a Variant of Uncertain Significance.

NM_017841.4(SDHAF2):c.469G>A (p.Asp157Asn)

Gene: SDHAF2 (succinate dehydrogenase complex assembly factor 2; plus strand). Cytogenetic location: 11q12.2.
Variant type: single nucleotide variant.
Coding change: c.469G>A on transcript NM_017841.4 (MANE Select); coding-DNA position 469, G replaced by A.
Protein change: p.Asp157Asn; replaces aspartic acid 157 with asparagine.
Molecular consequence: missense variant.
Genome position (GRCh38, 1-based): chr11:61,446,039, G>A. VCF-style: chr11-61446039-G-A. GRCh37 (hg19) VCF-style: chr11-61213511-G-A.
Other names: short protein forms D157N.
Identifiers: ClinVar variation 4756386 (VCV004756386.1).